The following is an entry in ClinVar:

NM_003413.4(ZIC3):c.10C>G (p.Leu4Val)

Gene: ZIC3 (Zic family member 3; plus strand). Cytogenetic location: Xq26.3.
Variant type: single nucleotide variant.
Coding change: c.10C>G on transcript NM_003413.4 (MANE Select); coding-DNA position 10, C replaced by G.
Protein change: p.Leu4Val; replaces leucine 4 with valine.
Molecular consequence: missense variant.
Genome position (GRCh38, 1-based): chrX:137,566,701, C>G. VCF-style: chrX-137566701-C-G. GRCh37 (hg19) VCF-style: chrX-136648860-C-G.
Other names: c.10C>G, p.Leu4Val (NM_001330661.1); short protein forms L4V.
Identifiers: ClinVar variation 3899151 (VCV003899151.1).

ClinVar aggregate classification (germline): Uncertain significance (1 of 4 stars; one submission).

Submission:

GeneDx
Classification: Uncertain significance. Last evaluated: 2024-11-11. Review status: criteria provided, single submitter. Criteria: GeneDx Variant Classification Process June 2021. Collection method: clinical testing. Allele origin: germline. Affected: yes.
Comment: Not observed at significant frequency in large population cohorts (gnomAD); In silico analysis indicates that this missense variant does not alter protein structure/function; Has not been previously published as pathogenic or benign to our knowledge